The following is an entry in ClinVar:

ClinVar aggregate classification (germline): Uncertain significance (1 of 4 stars; one submission).

gnomAD v4.1: 3 of 1,613,024 alleles (0.00019%); highest among the groups gnomAD compares: East Asian, 0.0022%; no homozygotes.

Submission:

Labcorp Genetics (formerly Invitae), Labcorp
Classification: Uncertain significance. Last evaluated: 2021-06-24. Review status: criteria provided, single submitter. Criteria: Invitae Variant Classification Sherloc (09022015). Collection method: clinical testing. Allele origin: germline.
Comment: In summary, the available evidence is currently insufficient to determine the role of this variant in disease. Therefore, it has been classified as a Variant of Uncertain Significance. Nucleotide substitutions within the consensus splice site are a relatively common cause of aberrant splicing (PMID: 17576681, 9536098). Algorithms developed to predict the effect of sequence changes on RNA splicing suggest that this variant is not likely to affect RNA splicing, but this prediction has not been confirmed by published transcriptional studies. This variant has not been reported in the literature in individuals with PAX1-related conditions. This variant is not present in population databases (ExAC no frequency). This sequence change falls in intron 2 of the PAX1 gene. It does not directly change the encoded amino acid sequence of the PAX1 protein. It affects a nucleotide within the consensus splice site of the intron.

Literature cited by the submitters: PubMed 17576681; PubMed 9536098.

NM_001257096.2(PAX1):c.916+3C>T

Gene: PAX1 (paired box 1; plus strand). Cytogenetic location: 20p11.22.
Variant type: single nucleotide variant.
Coding change: c.916+3C>T on transcript NM_001257096.2 (MANE Select); 3 bases into the intron after coding-DNA position 916, C replaced by T.
Molecular consequence: intron variant.
Genome position (GRCh38, 1-based): chr20:21,707,070, C>T. VCF-style: chr20-21707070-C-T. GRCh37 (hg19) VCF-style: chr20-21687708-C-T.
Other names: c.916+3C>T (NM_006192.5).
Identifiers: ClinVar variation 1508731 (VCV001508731.6), dbSNP rs1254478570, ClinGen allele CA2573156942.
Genomic context (GRCh38, chr20:21,707,070, plus strand): 5'-CCCTCGGCACACTCGGTCAGCAACATCCTGGGCATCCGGACGTTTATGGAGCAAACAGGT[C>T]AGTTGTGGCGGCCTCCGTAGCCTTCTATTAAGGGGCAGAACCTGGGGCGGGCAGGCTTGC-3'